The following is an entry in ClinVar:

NM_007194.4(CHEK2):c.652G>T (p.Asp218Tyr)

Gene: CHEK2 (checkpoint kinase 2; minus strand). Cytogenetic location: 22q12.1.
Variant type: single nucleotide variant.
Coding change: c.652G>T on transcript NM_007194.4 (MANE Select); coding-DNA position 652, G replaced by T.
Protein change: p.Asp218Tyr; replaces aspartic acid 218 with tyrosine.
Molecular consequence: missense variant. On other transcripts: 5 prime UTR variant (2), intron variant (1).
Genome position (GRCh38, 1-based): chr22:28,719,426, C>A on the plus strand (G>T on the coding strand, the complement: CHEK2 is on the minus strand). VCF-style: chr22-28719426-C-A. GRCh37 (hg19) VCF-style: chr22-29115414-C-A.
Other names: c.781G>T, p.Asp261Tyr (NM_001005735.3, NM_001438294.1); c.-12G>T (NM_001257387.3, NM_001437942.1); c.745G>T, p.Asp249Tyr (NM_001438293.1, NM_001438295.1); c.652G>T, p.Asp218Tyr (NM_145862.3); c.482+5460G>T (NM_001349956.3); short protein forms D261Y, D218Y, D249Y.
Identifiers: ClinVar variation 639614 (VCV000639614.11), dbSNP rs1601805677, ClinGen allele CA411104957.

ClinVar aggregate classification (germline): Uncertain significance (1 of 4 stars; one submission).

Conditions:
Familial cancer of breast. Also called: BREAST CANCER, FAMILIAL; hereditary breast carcinoma; Hereditary breast cancer. Identifiers: Orphanet 227535, MedGen C0346153, MONDO:0016419, OMIM 114480. Disease mechanism: loss of function.

Submission:

Labcorp Genetics (formerly Invitae), Labcorp
Classification: Uncertain significance for Familial cancer of breast. Last evaluated: 2019-03-06. Review status: criteria provided, single submitter. Criteria: Invitae Variant Classification Sherloc (09022015). Collection method: clinical testing. Allele origin: germline.
Comment: In summary, the available evidence is currently insufficient to determine the role of this variant in disease. Therefore, it has been classified as a Variant of Uncertain Significance. Algorithms developed to predict the effect of missense changes on protein structure and function are either unavailable or do not agree on the potential impact of this missense change (SIFT: "Deleterious"; PolyPhen-2: "Possibly Damaging"; Align-GVGD: "Class C15"). This variant has not been reported in the literature in individuals with CHEK2-related disease. This variant is not present in population databases (ExAC no frequency). This sequence change replaces aspartic acid with tyrosine at codon 218 of the CHEK2 protein (p.Asp218Tyr). The aspartic acid residue is moderately conserved and there is a large physicochemical difference between aspartic acid and tyrosine.